The following is an entry in ClinVar:

NM_001171.6(ABCC6):c.473C>T (p.Ala158Val)

Gene: ABCC6 (ATP binding cassette subfamily C member 6; minus strand). Cytogenetic location: 16p13.11.
Variant type: single nucleotide variant.
Coding change: c.473C>T on transcript NM_001171.6 (MANE Select); coding-DNA position 473, C replaced by T.
Protein change: p.Ala158Val; replaces alanine 158 with valine.
Molecular consequence: missense variant. On other transcripts: non-coding transcript variant (1).
Genome position (GRCh38, 1-based): chr16:16,219,555, G>A on the plus strand (C>T on the coding strand, the complement: ABCC6 is on the minus strand). VCF-style: chr16-16219555-G-A. GRCh37 (hg19) VCF-style: chr16-16313412-G-A.
Other names: p.Ala158Val; c.131C>T, p.Ala44Val (NM_001351800.1); short protein forms A158V, A44V.
Identifiers: ClinVar variation 433205 (VCV000433205.17), dbSNP rs2606921, ClinGen allele CA7926646.
Genomic context (GRCh38, chr16:16,219,555, plus strand): 5'-GGGACCCAAGGCATGAGCCACCATTTTGGTTTCCCAGGGTGGCCCACGCCCCGACTTACC[G>A]CTCCGGAGGCCTGCTGGGCAGCGTTGGTAGCTGGCAAGACAAAGCAGAGAAGCCAGTAAC-3'
Protein context (NP_001162.5, residues 148-168): ATNAAQQASG[Ala158Val]GFQSDPVRHL

ClinVar aggregate classification (germline): Benign/Likely benign. Review status: criteria provided, multiple submitters, no conflicts (2 of 4 stars). 5 submissions from 5 submitters: Benign (1); Likely benign (3). 1 of the submissions does not count toward it. Last evaluated 2026-06-01.

Conditions:
Autosomal recessive inherited pseudoxanthoma elasticum (PXE). Identifiers: Orphanet 758, MedGen CN032334, MONDO:0009925, OMIM 264800.
Pseudoxanthoma elasticum, forme fruste. Also called: Pseudoxanthoma Elasticum, Incomplete; PSEUDOXANTHOMA ELASTICUM, HETEROZYGOUS. Identifiers: Orphanet 758, MedGen C1867450, MONDO:0008333, OMIM 177850.
Arterial calcification, generalized, of infancy, 2. Identifiers: Orphanet 51608, MedGen C3276161, MONDO:0013768, OMIM 614473.

Allele frequency attached by ClinVar (database versions not stated): ExAC 0.00003; gnomAD 0.01061; 1000 Genomes Project 30x 0.02030.

Submissions (5):

CeGaT Center for Human Genetics Tuebingen
Classification: Likely benign. Last evaluated: 2026-06-01. Review status: criteria provided, single submitter. Criteria: CeGaT Center For Human Genetics Tuebingen Variant Classification Criteria Version 2. Collection method: clinical testing. Allele origin: germline. Affected: yes. Observed: 3 variant alleles.
Comment: ABCC6: BP4, BS1

Mayo Clinic Laboratories, Mayo Clinic
Classification: Benign. Last evaluated: 2023-04-06. Review status: criteria provided, single submitter. Criteria: ACMG Guidelines, 2015. Collection method: clinical testing. Allele origin: germline. Observed: 9 variant alleles.
Comment: BS1, BS2, BP4

Fulgent Genetics
Classification: Likely benign for Pseudoxanthoma elasticum, forme fruste; Autosomal recessive inherited pseudoxanthoma elasticum; Arterial calcification, generalized, of infancy, 2. Last evaluated: 2021-09-29. Review status: criteria provided, single submitter. Criteria: ACMG Guidelines, 2015. Collection method: clinical testing. Allele origin: unknown.

GeneDx
Classification: Likely benign. Last evaluated: 2021-05-28. Review status: criteria provided, single submitter. Criteria: GeneDx Variant Classification Process June 2021. Collection method: clinical testing. Allele origin: germline. Affected: yes.
Comment: This variant is associated with the following publications: (PMID: 28655553, 31589614, 16392638, 16086317)

PXE International
Classification: Likely benign for Autosomal recessive inherited pseudoxanthoma elasticum. Last evaluated: 2021-02-02. Review status: no assertion criteria provided. Collection method: research. Allele origin: germline. Inheritance: Autosomal recessive inheritance. Affected: yes. Not counted in ClinVar's aggregate classification.

Literature cited by the submitters: PubMed 28655553 (cited by Mayo Clinic Laboratories, Mayo Clinic); PubMed 16086317 (cited by PXE International); PubMed 16392638 (cited by PXE International).